The following is an entry in ClinVar:

ClinVar aggregate classification (germline): Uncertain significance (1 of 4 stars; one submission).

Submission:

Women's Health and Genetics/Laboratory Corporation of America, LabCorp
Classification: Uncertain significance. Last evaluated: 2024-07-22. Review status: criteria provided, single submitter. Criteria: LabCorp Variant Classification Summary - May 2015. Collection method: clinical testing. Allele origin: germline.
Comment: Variant summary: IVD c.347C>T (p.Ser116Phe) results in a non-conservative amino acid change in the encoded protein sequence. Five of five in-silico tools predict a damaging effect of the variant on protein function. The variant was absent in 251476 control chromosomes. c.347C>T has been reported in the literature in compound heterozygous individuals affected with Isovaleryl-CoA Dehydrogenase Deficiency (e.g. Lin_2007). These data indicate that the variant may be associated with disease. To our knowledge, no experimental evidence demonstrating an impact on protein function has been reported. The following publication has been ascertained in the context of this evaluation (PMID: 17027310). No submitters have cited clinical-significance assessments for this variant to ClinVar. Based on the evidence outlined above, the variant was classified as VUS-possibly pathogenic.

Literature cited by the submitters: PubMed 17027310.

NM_002225.5(IVD):c.347C>T (p.Ser116Phe)

Gene: IVD (isovaleryl-CoA dehydrogenase; plus strand). Cytogenetic location: 15q15.1.
Variant type: single nucleotide variant.
Coding change: c.347C>T on transcript NM_002225.5 (MANE Select); coding-DNA position 347, C replaced by T.
Protein change: p.Ser116Phe; replaces serine 116 with phenylalanine.
Molecular consequence: missense variant. On other transcripts: non-coding transcript variant (1).
Genome position (GRCh38, 1-based): chr15:40,410,688, C>T. VCF-style: chr15-40410688-C-T. GRCh37 (hg19) VCF-style: chr15-40702887-C-T.
Other names: c.257C>T, p.Ser86Phe (NM_001159508.3); c.299C>T, p.Ser100Phe (NM_001354597.3); c.347C>T, p.Ser116Phe (NM_001354598.3, NM_001354601.3); c.434C>T, p.Ser145Phe (NM_001354599.3, NM_001354600.3); short protein forms S100F, S116F, S145F, S86F.
Identifiers: ClinVar variation 3339425 (VCV003339425.1).